The following is an entry in ClinVar:

ClinVar aggregate classification (germline): Pathogenic. Review status: criteria provided, multiple submitters, no conflicts (2 of 4 stars). 2 submissions from 2 submitters: Pathogenic (2). Last evaluated 2024-08-26.

Conditions:
Cystic fibrosis (CF). Also called: MUCOVISCIDOSIS. Identifiers: Orphanet 586, MedGen C0010674, MONDO:0009061, OMIM 219700. Disease mechanism: loss of function.

Submissions (2):

Women's Health and Genetics/Laboratory Corporation of America, LabCorp
Classification: Pathogenic for Cystic fibrosis. Last evaluated: 2024-08-26. Review status: criteria provided, single submitter. Criteria: LabCorp Variant Classification Summary - May 2015. Collection method: clinical testing. Allele origin: germline.
Comment: Variant summary: CFTR c.1057C>T (p.Gln353X) results in a premature termination codon, predicted to cause a truncation of the encoded protein or absence of the protein due to nonsense mediated decay, which are commonly known mechanisms for disease. The variant was absent in 251142 control chromosomes. c.1057C>T has been reported in the literature in individuals affected with Cystic Fibrosis (e.g. Atag_2019). The following publication has been ascertained in the context of this evaluation (PMID: 30938940). ClinVar contains an entry for this variant (Variation ID: 53175). Based on the evidence outlined above, the variant was classified as pathogenic.

CFTR-France
Classification: Pathogenic for cystic fibrosis. Last evaluated: 2018-01-29. Review status: criteria provided, single submitter. Criteria: Claustres M et al. (Hum Mutat 2017). Collection method: curation. Allele origin: germline. Affected: yes.

Literature cited by the submitters: PubMed 30938940 (cited by Women's Health and Genetics/Laboratory Corporation of America, LabCorp).

NM_000492.4(CFTR):c.1057C>T (p.Gln353Ter)

Gene: CFTR (CF transmembrane conductance regulator; plus strand). Cytogenetic location: 7q31.2.
Variant type: single nucleotide variant.
Coding change: c.1057C>T on transcript NM_000492.4 (MANE Select); coding-DNA position 1057, C replaced by T.
Protein change: p.Gln353Ter; replaces glutamine 353 with a stop codon.
Molecular consequence: nonsense.
Genome position (GRCh38, 1-based): chr7:117,540,287, C>T. VCF-style: chr7-117540287-C-T. GRCh37 (hg19) VCF-style: chr7-117180341-C-T.
Other names: short protein forms Q353*.
Identifiers: ClinVar variation 53175 (VCV000053175.2), dbSNP rs397508148, ClinGen allele CA326379.
Genomic context (GRCh38, chr7:117,540,287, plus strand): 5'-CTCCGGAAAATATTCACCACCATCTCATTCTGCATTGTTCTGCGCATGGCGGTCACTCGG[C>T]AATTTCCCTGGGCTGTACAAACATGGTATGACTCTCTTGGAGCAATAAACAAAATACAGG-3'